The following is an entry in ClinVar:

NM_004526.4(MCM2):c.2523A>G (p.Ala841=)

Genes: MCM2 (minichromosome maintenance complex component 2; plus strand), LOC107986126 (uncharacterized LOC107986126; minus strand). Cytogenetic location: 3q21.3.
Variant type: single nucleotide variant.
Coding change: c.2523A>G on transcript NM_004526.4 (MANE Select); coding-DNA position 2523, A replaced by G.
Protein change: p.Ala841=; no amino-acid change (alanine 841 retained).
Molecular consequence: synonymous variant. On other transcripts: non-coding transcript variant (1).
Genome position (GRCh38, 1-based): chr3:127,621,147, A>G. VCF-style: chr3-127621147-A-G. GRCh37 (hg19) VCF-style: chr3-127339990-A-G.
Identifiers: ClinVar variation 681874 (VCV000681874.1), dbSNP rs748690122, ClinGen allele CA2596277.

ClinVar aggregate classification (germline): Likely benign (1 of 4 stars; one submission).

Allele frequency attached by ClinVar (database versions not stated): gnomAD 0.00001; gnomAD exomes 0.00001 and 0.00006; TOPMed 0.00003; ExAC 0.00009.
gnomAD v4.1: 19 of 1,614,116 alleles (0.0012%); highest among the groups gnomAD compares: East Asian, 0.04%; no homozygotes.

Submission:

GeneDx
Classification: Likely benign. Last evaluated: 2018-04-17. Review status: criteria provided, single submitter. Criteria: GeneDx Variant Classification (06012015). Collection method: clinical testing. Allele origin: germline. Affected: yes.
Comment: This variant is considered likely benign or benign based on one or more of the following criteria: it is a conservative change, it occurs at a poorly conserved position in the protein, it is predicted to be benign by multiple in silico algorithms, and/or has population frequency not consistent with disease.